The following is an entry in ClinVar:

NM_007294.4(BRCA1):c.2337_2338del (p.Gln780fs)

Gene: BRCA1 (BRCA1 DNA repair associated; minus strand). Cytogenetic location: 17q21.31.
Variant type: Deletion.
Coding change: c.2337_2338del on transcript NM_007294.4 (MANE Select); coding-DNA positions 2337 to 2338, 2 bases deleted (TC; older notation c.2337_2338delTC).
Protein change: p.Gln780fs; shifts the reading frame from glutamine 780.
Molecular consequence: frameshift variant. On other transcripts: intron variant (137).
Genome position (GRCh38, 1-based): chr17:43,093,193-43,093,194, GA deleted on the plus strand (TC on the coding strand, the reverse complement: BRCA1 is on the minus strand); deleting any 2 consecutive bases within chr17:43,093,193-43,093,195 gives the same sequence; the c. name uses the placement nearest the transcript's 3' end. VCF-style (leftmost placement, unchanged base first): chr17-43093192-TGA-T. GRCh37 (hg19) VCF-style: chr17-41245209-TGA-T.
Other names: 2456delTC; c.2337_2338delTC (NM_007294.3); c.2337_2338del, p.Gln780fs (NM_001407623.1, NM_001407624.1, NM_001407625.1 and 30 more transcripts); c.2334_2335del, p.Gln779fs (NM_001407627.1, NM_001407628.1, NM_001407629.1 and 22 more transcripts); c.2328_2329del, p.Gln777fs (NM_001407646.1, NM_001407647.1); c.2214_2215del, p.Gln739fs (NM_001407648.1, NM_001407664.1, NM_001407665.1 and 19 more transcripts); c.2211_2212del, p.Gln738fs (NM_001407649.1, NM_001407670.1, NM_001407671.1 and 11 more transcripts); c.2259_2260del, p.Gln754fs (NM_001407653.1, NM_001407654.1, NM_001407655.1 and 4 more transcripts); and 43 more; short protein forms Q733fs, Q780fs, Q691fs, Q713fs, Q709fs, Q710fs, Q712fs, Q754fs.
Identifiers: ClinVar variation 125555 (VCV000125555.11), dbSNP rs80357515, ClinGen allele CA001560.

ClinVar aggregate classification (germline): Pathogenic. Review status: reviewed by expert panel (3 of 4 stars). 3 submissions from 3 submitters: Pathogenic (1). 2 of the submissions do not count toward it. Last evaluated 2016-09-08.

Conditions:
Hereditary breast ovarian cancer syndrome. Also called: Hereditary breast and/or ovarian cancer syndrome; Breast and ovarian cancer; Hereditary breast and ovarian cancer syndrome; Hereditary breast and ovarian cancer; Hereditary breast and ovarian cancer syndrome (HBOC); BRCA1- and BRCA2-Associated Hereditary Breast and Ovarian Cancer. Identifiers: Orphanet 145, MedGen C0677776, MeSH D061325, MONDO:0003582. Disease mechanism: loss of function.
Breast-ovarian cancer, familial, susceptibility to, 1 (BROVCA1). Also called: BRCA1 Hereditary Breast and Ovarian Cancer; OVARIAN CANCER, SUSCEPTIBILITY TO. Identifiers: Orphanet 145, MedGen C2676676, MONDO:0011450, OMIM 604370. Disease mechanism: loss of function.

Submissions (3):

Evidence-based Network for the Interpretation of Germline Mutant Alleles (ENIGMA)
Classification: Pathogenic for Breast-ovarian cancer, familial, susceptibility to, 1. Last evaluated: 2016-09-08. Review status: reviewed by expert panel. Criteria: ENIGMA BRCA1/2 Classification Criteria (2015). Collection method: curation. Allele origin: germline.
Comment: Variant allele predicted to encode a truncated non-functional protein.

Labcorp Genetics (formerly Invitae), Labcorp
Classification: Pathogenic for Hereditary breast ovarian cancer syndrome. Last evaluated: 2022-05-11. Review status: criteria provided, single submitter. Criteria: Invitae Variant Classification Sherloc (09022015). Collection method: clinical testing. Allele origin: germline. Not counted in ClinVar's aggregate classification.
Comment: For these reasons, this variant has been classified as Pathogenic. ClinVar contains an entry for this variant (Variation ID: 125555). This premature translational stop signal has been observed in individual(s) with clinical features of BRCA1-related conditions (PMID: 10923033). This variant is not present in population databases (gnomAD no frequency). This sequence change creates a premature translational stop signal (p.Gln780Glyfs*9) in the BRCA1 gene. It is expected to result in an absent or disrupted protein product. Loss-of-function variants in BRCA1 are known to be pathogenic (PMID: 20104584).

Breast Cancer Information Core (BIC) (BRCA1)
Classification: Pathogenic for Breast-ovarian cancer, familial 1. Last evaluated: 2006-07-19. Review status: no assertion criteria provided. Collection method: clinical testing. Allele origin: unknown. Affected: yes. Observed: 1 variant allele. Not counted in ClinVar's aggregate classification.

Literature cited by the submitters: PubMed 10923033 (cited by Labcorp Genetics (formerly Invitae), Labcorp); PubMed 20104584 (cited by Labcorp Genetics (formerly Invitae), Labcorp).